The following is an entry in ClinVar:

NM_000116.5(TAFAZZIN):c.277A>G (p.Met93Val)

Gene: TAFAZZIN (tafazzin, phospholipid-lysophospholipid transacylase; plus strand). Cytogenetic location: Xq28.
Variant type: single nucleotide variant.
Coding change: c.277A>G on transcript NM_000116.5 (MANE Select); coding-DNA position 277, A replaced by G.
Protein change: p.Met93Val; replaces methionine 93 with valine.
Molecular consequence: missense variant. On other transcripts: non-coding transcript variant (1).
Genome position (GRCh38, 1-based): chrX:154,413,245, A>G. VCF-style: chrX-154413245-A-G. GRCh37 (hg19) VCF-style: chrX-153641582-A-G.
Other names: c.331A>G, p.Met111Val (NM_001303465.2, NM_001410698.1, NM_001440856.1 and 1 more transcripts); c.277A>G, p.Met93Val (NM_001440858.1, NM_181311.4, NM_181312.4 and 1 more transcripts); short protein forms M111V, M93V.
Identifiers: ClinVar variation 4734006 (VCV004734006.1).

ClinVar aggregate classification (germline): Uncertain significance (1 of 4 stars; one submission).

Conditions:
3-Methylglutaconic aciduria type 2 (BTHS). Also called: Barth syndrome; CARDIOSKELETAL MYOPATHY WITH NEUTROPENIA AND ABNORMAL MITOCHONDRIA. Identifiers: Orphanet 111, MedGen C0574083, MONDO:0010543, OMIM 302060.

Submission:

Labcorp Genetics (formerly Invitae), Labcorp
Classification: Uncertain significance for 3-Methylglutaconic aciduria type 2. Last evaluated: 2025-12-23. Review status: criteria provided, single submitter. Criteria: Invitae Variant Classification Sherloc (09022015). Collection method: clinical testing. Allele origin: germline.
Comment: This sequence change replaces methionine, which is neutral and non-polar, with valine, which is neutral and non-polar, at codon 93 of the TAZ protein (p.Met93Val). This variant is not present in population databases (gnomAD no frequency). This variant has not been reported in the literature in individuals affected with TAZ-related conditions. An algorithm developed to predict the effect of missense changes on protein structure and function (PolyPhen-2) suggests that this variant is likely to be tolerated. Algorithms developed to predict the effect of sequence changes on RNA splicing suggest that this variant may disrupt the consensus splice site. In summary, the available evidence is currently insufficient to determine the role of this variant in disease. Therefore, it has been classified as a Variant of Uncertain Significance.